The following is an entry in ClinVar:

ClinVar aggregate classification (germline): Uncertain significance (1 of 4 stars; one submission).

Submission:

Women's Health and Genetics/Laboratory Corporation of America, LabCorp
Classification: Uncertain significance. Last evaluated: 2026-06-23. Review status: criteria provided, single submitter. Criteria: LabCorp Variant Classification Summary - May 2015. Collection method: clinical testing. Allele origin: germline.
Comment: Variant summary: LRP2 c.3814C>T (p.Pro1272Ser) results in a non-conservative amino acid change in the encoded protein sequence. Algorithms developed to predict the effect of missense changes on protein structure and function are either unavailable or do not agree on the potential impact of this missense change. The variant was absent in 251436 control chromosomes. The available data on variant occurrences in the general population are insufficient to allow any conclusion about variant significance. To our knowledge, no occurrence of c.3814C>T in individuals affected with LRP2-related conditions and no experimental evidence demonstrating its impact on protein function have been reported. No submitters have cited clinical-significance assessments for this variant to ClinVar. Based on the evidence outlined above, the variant was classified as uncertain significance.

NM_004525.3(LRP2):c.3814C>T (p.Pro1272Ser)

Gene: LRP2 (LDL receptor related protein 2; minus strand). Cytogenetic location: 2q31.1.
Variant type: single nucleotide variant.
Coding change: c.3814C>T on transcript NM_004525.3 (MANE Select); coding-DNA position 3814, C replaced by T.
Protein change: p.Pro1272Ser; replaces proline 1272 with serine.
Molecular consequence: missense variant.
Genome position (GRCh38, 1-based): chr2:169,241,219, G>A on the plus strand (C>T on the coding strand, the complement: LRP2 is on the minus strand). VCF-style: chr2-169241219-G-A. GRCh37 (hg19) VCF-style: chr2-170097729-G-A.
Other names: short protein forms P1272S.
Identifiers: ClinVar variation 4887734 (VCV004887734.1).
Genomic context (GRCh38, chr2:169,241,219, plus strand): 5'-GATCACAGAGCCATGCCCTGTGGATGCAGTTTCCGTTGTCACAGTGGAAATATGATGAAG[G>A]GCAAGTCTTGGGGACACAGGCATTGTGCTCATCAGATCCATAGAGGCAGTCTGGATGCCC-3'
Protein context (NP_004516.2, residues 1262-1282): EHNACVPKTC[Pro1272Ser]SSYFHCDNGN